The following is an entry in ClinVar:

ClinVar aggregate classification (germline): Pathogenic (1 of 4 stars; one submission).

Submission:

Labcorp Genetics (formerly Invitae), Labcorp
Classification: Pathogenic. Last evaluated: 2023-11-30. Review status: criteria provided, single submitter. Criteria: Invitae Variant Classification Sherloc (09022015). Collection method: clinical testing. Allele origin: unknown.
Comment: A gross deletion of the genomic region encompassing the full coding sequence of the NPHS2 gene has been identified. Loss-of-function variants in NPHS2 are known to be pathogenic (PMID: 10742096, 14701729, 15253708, 23595123). The boundaries of this event are unknown as they extend beyond the assayed region for this gene and therefore may encompass additional genes. This variant has not been reported in the literature in individuals affected with NPHS2-related conditions. For these reasons, this variant has been classified as Pathogenic.

Literature cited by the submitters: PubMed 10742096; PubMed 14701729; PubMed 15253708; PubMed 23595123.

NC_000001.10:g.(?_179520308)_(179544999_?)del

Genes: AXDND1 (axonemal dynein light chain domain containing 1; plus strand), NPHS2 (NPHS2 stomatin family member, podocin; minus strand). Cytogenetic location: 1q25.2.
Variant type: Deletion.
Identifiers: ClinVar variation 3247987 (VCV003247987.1).